The following is an entry in ClinVar:

NM_002691.4(POLD1):c.2936C>T (p.Ala979Val)

Gene: POLD1 (DNA polymerase delta 1, catalytic subunit; plus strand). Cytogenetic location: 19q13.33.
Variant type: single nucleotide variant.
Coding change: c.2936C>T on transcript NM_002691.4 (MANE Select); coding-DNA position 2936, C replaced by T.
Protein change: p.Ala979Val; replaces alanine 979 with valine.
Molecular consequence: missense variant. On other transcripts: non-coding transcript variant (1).
Genome position (GRCh38, 1-based): chr19:50,416,511, C>T. VCF-style: chr19-50416511-C-T. GRCh37 (hg19) VCF-style: chr19-50919768-C-T.
Other names: c.2936C>T, p.Ala979Val (NM_001256849.1); c.3014C>T, p.Ala1005Val (NM_001308632.1); short protein forms A979V, A1005V.
Identifiers: ClinVar variation 3690899 (VCV003690899.2).

ClinVar aggregate classification (germline): Uncertain significance (1 of 4 stars; one submission).

Conditions:
POLD1-related polyposis and colorectal cancer syndrome (CRCS10). Also called: Colorectal cancer 10; COLORECTAL CANCER, SUSCEPTIBILITY TO, ON CHROMOSOME 19q; Colorectal cancer, susceptibility to, 10. Identifiers: Orphanet 220460, MedGen C2675481, MONDO:0012953, OMIM 612591.

Submission:

Labcorp Genetics (formerly Invitae), Labcorp
Classification: Uncertain significance for POLD1-related polyposis and colorectal cancer syndrome. Last evaluated: 2024-07-30. Review status: criteria provided, single submitter. Criteria: Invitae Variant Classification Sherloc (09022015). Collection method: clinical testing. Allele origin: germline.
Comment: This sequence change replaces alanine, which is neutral and non-polar, with valine, which is neutral and non-polar, at codon 979 of the POLD1 protein (p.Ala979Val). This variant is not present in population databases (gnomAD no frequency). This variant has not been reported in the literature in individuals affected with POLD1-related conditions. Advanced modeling of protein sequence and biophysical properties (such as structural, functional, and spatial information, amino acid conservation, physicochemical variation, residue mobility, and thermodynamic stability) performed at Invitae indicates that this missense variant is not expected to disrupt POLD1 protein function with a negative predictive value of 80%. In summary, the available evidence is currently insufficient to determine the role of this variant in disease. Therefore, it has been classified as a Variant of Uncertain Significance.